The following is an entry in ClinVar:

ClinVar aggregate classification (germline): Uncertain significance (1 of 4 stars; one submission).

Conditions:
RYR1-related disorder. Also called: RYR1-related disorders; RYR1-related condition. Identifiers: MedGen CN239331.

Submission:

Labcorp Genetics (formerly Invitae), Labcorp
Classification: Uncertain significance for RYR1-related disorder. Last evaluated: 2021-09-01. Review status: criteria provided, single submitter. Criteria: Invitae Variant Classification Sherloc (09022015). Collection method: clinical testing. Allele origin: germline.
Comment: This sequence change replaces isoleucine with valine at codon 568 of the RYR1 protein (p.Ile568Val). The isoleucine residue is highly conserved and there is a small physicochemical difference between isoleucine and valine. This variant is not present in population databases (ExAC no frequency). This variant has not been reported in the literature in individuals affected with RYR1-related conditions. Algorithms developed to predict the effect of missense changes on protein structure and function are either unavailable or do not agree on the potential impact of this missense change (SIFT: "Deleterious"; PolyPhen-2: "Possibly Damaging"; Align-GVGD: "Class C0"). In summary, the available evidence is currently insufficient to determine the role of this variant in disease. Therefore, it has been classified as a Variant of Uncertain Significance.

NM_000540.3(RYR1):c.1702A>G (p.Ile568Val)

Gene: RYR1 (ryanodine receptor 1; plus strand). Cytogenetic location: 19q13.2.
Variant type: single nucleotide variant.
Coding change: c.1702A>G on transcript NM_000540.3 (MANE Select); coding-DNA position 1702, A replaced by G.
Protein change: p.Ile568Val; replaces isoleucine 568 with valine.
Molecular consequence: missense variant.
Genome position (GRCh38, 1-based): chr19:38,455,662, A>G. VCF-style: chr19-38455662-A-G. GRCh37 (hg19) VCF-style: chr19-38946302-A-G.
Other names: c.1702A>G, p.Ile568Val (NM_001042723.2); short protein forms I568V.
Identifiers: ClinVar variation 862756 (VCV000862756.7), dbSNP rs1967336522, ClinGen allele CA405691063.